The following is an entry in ClinVar:

NM_013447.4(ADGRE2):c.1414C>T (p.Arg472Cys)

Gene: ADGRE2 (adhesion G protein-coupled receptor E2; minus strand). Cytogenetic location: 19p13.12.
Variant type: single nucleotide variant.
Coding change: c.1414C>T on transcript NM_013447.4 (MANE Select); coding-DNA position 1414, C replaced by T.
Protein change: p.Arg472Cys; replaces arginine 472 with cysteine.
Molecular consequence: missense variant.
Genome position (GRCh38, 1-based): chr19:14,755,656, G>A on the plus strand (C>T on the coding strand, the complement: ADGRE2 is on the minus strand). VCF-style: chr19-14755656-G-A. GRCh37 (hg19) VCF-style: chr19-14866468-G-A.
Other names: c.1414C>T, p.Arg472Cys (NM_001271052.1); c.1267C>T, p.Arg423Cys (NM_152916.2); c.1135C>T, p.Arg379Cys (NM_152917.2); short protein forms R423C, R379C, R472C.
Identifiers: ClinVar variation 2902081 (VCV002902081.3), dbSNP rs561706740, ClinGen allele CA9257727.
Genomic context (GRCh38, chr19:14,755,656, plus strand): 5'-GCAAGGCTATGCCCGGACTCAGACTATTCACCCACCAACCAACTCCACCAGCACTCACAC[G>A]GTGGGAGAAGGTGAAGGTAACTGGGGAGCTGAGGTTTTGGGTGTCGTTGTTGCTCAGAAA-3'
Protein context (NP_038475.2, residues 462-482): SSPVTFTFSH[Arg472Cys]SVIPRQKVLC

ClinVar aggregate classification (germline): Uncertain significance (1 of 4 stars; one submission).

Allele frequency attached by ClinVar (database versions not stated): 1000 Genomes Project 30x 0.00062; ExAC 0.00010; gnomAD exomes 0.00005; 1000 Genomes Project 0.00060; gnomAD 0.00005.
gnomAD v4.1: 81 of 1,613,758 alleles (0.005%); highest among the groups gnomAD compares: South Asian, 0.046%; 1 homozygote.

Submission:

Labcorp Genetics (formerly Invitae), Labcorp
Classification: Uncertain significance. Last evaluated: 2025-05-11. Review status: criteria provided, single submitter. Criteria: Invitae Variant Classification Sherloc (09022015). Collection method: clinical testing. Allele origin: germline.
Comment: This sequence change replaces arginine, which is basic and polar, with cysteine, which is neutral and slightly polar, at codon 472 of the ADGRE2 protein (p.Arg472Cys). This variant is present in population databases (rs561706740, gnomAD 0.06%), and has an allele count higher than expected for a pathogenic variant. This variant has not been reported in the literature in individuals affected with ADGRE2-related conditions. ClinVar contains an entry for this variant (Variation ID: 2902081). An algorithm developed to predict the effect of missense changes on protein structure and function (PolyPhen-2) suggests that this variant is likely to be tolerated. In summary, the available evidence is currently insufficient to determine the role of this variant in disease. Therefore, it has been classified as a Variant of Uncertain Significance.